The following is an entry in ClinVar:

NM_015459.5(ATL3):c.1107+4C>T

Genes: ATL3 (atlastin GTPase 3; minus strand), LNCROPM (lncRNA regulator of PLAAT3 mediated phospholipid metabolism; plus strand). Cytogenetic location: 11q13.1.
Variant type: single nucleotide variant.
Coding change: c.1107+4C>T on transcript NM_015459.5 (MANE Select); 4 bases into the intron after coding-DNA position 1107, C replaced by T.
Molecular consequence: intron variant.
Genome position (GRCh38, 1-based): chr11:63,633,022, G>A on the plus strand (C>T on the coding strand, the complement: ATL3 is on the minus strand). VCF-style: chr11-63633022-G-A. GRCh37 (hg19) VCF-style: chr11-63400494-G-A.
Other names: c.1053+4C>T (NM_001290048.2).
Identifiers: ClinVar variation 541676 (VCV000541676.11), dbSNP rs369978511, ClinGen allele CA6063593.

ClinVar aggregate classification (germline): Conflicting classifications of pathogenicity. Review status: criteria provided, conflicting classifications (1 of 4 stars). 2 submissions from 2 submitters: Uncertain significance (1); Likely benign (1). Last evaluated 2025-09-05.

Conditions:
Neuropathy, hereditary sensory, type 1F. Also called: HSN IF; Hereditary sensory neuropathy type IF. Identifiers: Orphanet 36386, MedGen C3810194, MONDO:0014286, OMIM 615632.
ATL3-related disorder. Also called: ATL3-related condition.

Allele frequency attached by ClinVar (database versions not stated): gnomAD exomes 0.00001; ExAC 0.00002; TOPMed 0.00002; gnomAD 0.00003; ESP Exome Variant Server 0.00008.
gnomAD v4.1: 34 of 1,613,390 alleles (0.0021%); highest among the groups gnomAD compares: African/African-American, 0.0027%; no homozygotes.

Submissions (2):

PreventionGenetics, part of Exact Sciences
Classification: Likely benign for ATL3-related condition. Last evaluated: 2025-09-05. Review status: criteria provided, single submitter. Criteria: ACMG Guidelines, 2015. Collection method: clinical testing. Allele origin: germline.
Comment: This variant is classified as likely benign based on ACMG/AMP sequence variant interpretation guidelines (Richards et al. 2015 PMID: 25741868, with internal and published modifications).

Labcorp Genetics (formerly Invitae), Labcorp
Classification: Uncertain significance for Neuropathy, hereditary sensory, type 1F. Last evaluated: 2024-10-03. Review status: criteria provided, single submitter. Criteria: Invitae Variant Classification Sherloc (09022015). Collection method: clinical testing. Allele origin: germline.
Comment: This sequence change falls in intron 11 of the ATL3 gene. It does not directly change the encoded amino acid sequence of the ATL3 protein. It affects a nucleotide within the consensus splice site. This variant is present in population databases (rs369978511, gnomAD 0.006%). This variant has not been reported in the literature in individuals affected with ATL3-related conditions. ClinVar contains an entry for this variant (Variation ID: 541676). Variants that disrupt the consensus splice site are a relatively common cause of aberrant splicing (PMID: 17576681, 9536098). Algorithms developed to predict the effect of sequence changes on RNA splicing suggest that this variant is not likely to affect RNA splicing. In summary, the available evidence is currently insufficient to determine the role of this variant in disease. Therefore, it has been classified as a Variant of Uncertain Significance.

Literature cited by the submitters: PubMed 17576681 (cited by Labcorp Genetics (formerly Invitae), Labcorp); PubMed 9536098 (cited by Labcorp Genetics (formerly Invitae), Labcorp).